The following is an entry in ClinVar:

NM_177972.3(TUB):c.373A>T (p.Lys125Ter)

Genes: TUB (TUB bipartite transcription factor; plus strand), RIC3 (RIC3 acetylcholine receptor chaperone; minus strand). Cytogenetic location: 11p15.4.
Variant type: single nucleotide variant.
Coding change: c.373A>T on transcript NM_177972.3 (MANE Select); coding-DNA position 373, A replaced by T.
Protein change: p.Lys125Ter; replaces lysine 125 with a stop codon.
Molecular consequence: nonsense.
Genome position (GRCh38, 1-based): chr11:8,094,165, A>T. VCF-style: chr11-8094165-A-T. GRCh37 (hg19) VCF-style: chr11-8115712-A-T.
Other names: c.538A>T, p.Lys180Ter (NM_003320.5); short protein forms K125*, K180*.
Identifiers: ClinVar variation 1426537 (VCV001426537.6), dbSNP rs759921094, ClinGen allele CA379564985.

ClinVar aggregate classification (germline): Pathogenic (1 of 4 stars; one submission).

Submission:

Labcorp Genetics (formerly Invitae), Labcorp
Classification: Pathogenic. Last evaluated: 2021-05-22. Review status: criteria provided, single submitter. Criteria: Invitae Variant Classification Sherloc (09022015). Collection method: clinical testing. Allele origin: germline.
Comment: This sequence change creates a premature translational stop signal (p.Lys180*) in the TUB gene. It is expected to result in an absent or disrupted protein product. Loss-of-function variants in TUB are known to be pathogenic (PMID: 24375934). This variant is not present in population databases (ExAC no frequency). This variant has not been reported in the literature in individuals with TUB-related conditions. Algorithms developed to predict the effect of sequence changes on RNA splicing suggest that this variant may create or strengthen a splice site, but this prediction has not been confirmed by published transcriptional studies. For these reasons, this variant has been classified as Pathogenic.

Literature cited by the submitters: PubMed 24375934.